The following is an entry in ClinVar:

ClinVar aggregate classification (germline): Conflicting classifications of pathogenicity. Review status: criteria provided, conflicting classifications (1 of 4 stars). 3 submissions from 3 submitters: Likely pathogenic (1); Uncertain significance (1). 1 of the submissions does not count toward it. Last evaluated 2025-10-02.

Conditions:
Retinal dystrophy. Also called: Inherited retinal dystrophy. Identifiers: Orphanet 71862, MedGen C0854723, MeSH D058499, MONDO:0019118, HP:0000556.
Retinitis pigmentosa 27 (RP27). Identifiers: Orphanet 791, MedGen C1834329, MONDO:0013402, OMIM 613750.

Submissions (3):

Labcorp Genetics (formerly Invitae), Labcorp
Classification: Uncertain significance. Last evaluated: 2025-10-02. Review status: criteria provided, single submitter. Criteria: Invitae Variant Classification Sherloc (09022015). Collection method: clinical testing. Allele origin: germline.
Comment: This sequence change replaces proline, which is neutral and non-polar, with histidine, which is basic and polar, at codon 51 of the NRL protein (p.Pro51His). This variant is not present in population databases (gnomAD no frequency). This missense change has been observed in individuals with autosomal dominant inherited retinal dystrophy (PMID: 29385733, 34906470). ClinVar contains an entry for this variant (Variation ID: 1065724). An algorithm developed to predict the effect of missense changes on protein structure and function (PolyPhen-2) suggests that this variant is likely to be disruptive. This variant disrupts the p.Pro51 amino acid residue in NRL. Other variant(s) that disrupt this residue have been determined to be pathogenic (PMID: 15591106, 17335001). This suggests that this residue is clinically significant, and that variants that disrupt this residue are likely to be disease-causing. In summary, the available evidence is currently insufficient to determine the role of this variant in disease. Therefore, it has been classified as a Variant of Uncertain Significance.

Ocular Genomics Institute, Massachusetts Eye and Ear
Classification: Likely pathogenic for Retinitis pigmentosa 27. Last evaluated: 2021-04-08. Review status: criteria provided, single submitter. Criteria: ACMG Guidelines, 2015. Collection method: research. Allele origin: germline. Affected: yes.
Comment: Through a review of available evidence we were able to apply the following criteria: PM2, PM1, PM5, PP3. Based on this evidence we have classified this variant as Likely Pathogenic.

Institute of Human Genetics, Univ. Regensburg, Univ. Regensburg
Classification: Likely pathogenic for Retinal dystrophy. Last evaluated: 2018-01-01. Review status: no assertion criteria provided. Criteria: ACMG Guidelines, 2015. Collection method: clinical testing. Allele origin: germline. Affected: yes. Not counted in ClinVar's aggregate classification.

Literature cited by the submitters: PubMed 29385733 (cited by Labcorp Genetics (formerly Invitae), Labcorp); PubMed 34906470 (cited by Labcorp Genetics (formerly Invitae), Labcorp); PubMed 15591106 (cited by Labcorp Genetics (formerly Invitae), Labcorp); PubMed 17335001 (cited by Labcorp Genetics (formerly Invitae), Labcorp).

NM_001354768.3(NRL):c.152C>A (p.Pro51His)

Gene: NRL (neural retina leucine zipper; minus strand). Cytogenetic location: 14q11.2.
Variant type: single nucleotide variant.
Coding change: c.152C>A on transcript NM_001354768.3 (MANE Select); coding-DNA position 152, C replaced by A.
Protein change: p.Pro51His; replaces proline 51 with histidine.
Molecular consequence: missense variant. On other transcripts: intron variant (1).
Genome position (GRCh38, 1-based): chr14:24,082,697, G>T on the plus strand (C>A on the coding strand, the complement: NRL is on the minus strand). VCF-style: chr14-24082697-G-T. GRCh37 (hg19) VCF-style: chr14-24551906-G-T.
Other names: c.152C>A, p.Pro51His (NM_001354769.1, NM_006177.5); c.66+86C>A (NM_001354770.2); short protein forms P51H.
Identifiers: ClinVar variation 1065724 (VCV001065724.3), dbSNP rs2036353653, ClinGen allele CA389281582.